The following is an entry in ClinVar:

ClinVar aggregate classification (germline): Pathogenic. Review status: criteria provided, multiple submitters, no conflicts (2 of 4 stars). 3 submissions from 3 submitters: Pathogenic (2). 1 of the submissions does not count toward it. Last evaluated 2025-12-10.

Conditions:
Retinal dystrophy. Also called: Inherited retinal dystrophy. Identifiers: Orphanet 71862, MedGen C0854723, MeSH D058499, MONDO:0019118, HP:0000556.
Retinitis pigmentosa 43 (RP43). Identifiers: Orphanet 791, MedGen C3151139, MONDO:0013437, OMIM 613810.
Retinitis pigmentosa (RP). Identifiers: Orphanet 791, MedGen C0035334, MeSH D012174, MONDO:0019200, OMIM 268000. Inheritance: Autosomal dominant, autosomal recessive and X linked inheritance.

Submissions (3):

Research Institute for Ophthalmology and Vision Science, Shahid Beheshti University of Medical Sciences
Classification: Pathogenic for Retinitis pigmentosa 43. Last evaluated: 2025-12-10. Review status: criteria provided, single submitter. Criteria: ACMG Guidelines, 2015. Collection method: research. Allele origin: germline. Inheritance: Autosomal recessive inheritance. Affected: yes.
Comment: This variant is a null variant not present in gnomAD databases. It is also classified as pathogenic by other submitters in ClinVar.

Institute of Human Genetics, Univ. Regensburg, Univ. Regensburg
Classification: Pathogenic for Retinal dystrophy. Last evaluated: 2020-01-01. Review status: criteria provided, single submitter. Criteria: ACMG Guidelines, 2015. Collection method: clinical testing. Allele origin: germline. Affected: yes.

Department of Clinical Genetics, Copenhagen University Hospital, Rigshospitalet
Classification: Likely pathogenic for Retinitis pigmentosa. Last evaluated: 2018-04-01. Review status: no assertion criteria provided. Collection method: research. Allele origin: unknown. Affected: yes. Study: VeluxRD. Not counted in ClinVar's aggregate classification.

Literature cited by the submitters: PubMed 30718709 (cited by Research Institute for Ophthalmology and Vision Science, Shahid Beheshti University of Medical Sciences and Department of Clinical Genetics, Copenhagen University Hospital, Rigshospitalet); PubMed 33057649 (cited by Institute of Human Genetics, Univ. Regensburg, Univ. Regensburg).

NM_000440.3(PDE6A):c.627+2T>G

Gene: PDE6A (phosphodiesterase 6A; minus strand). Cytogenetic location: 5q32.
Variant type: single nucleotide variant.
Coding change: c.627+2T>G on transcript NM_000440.3 (MANE Select); the canonical splice donor site of the intron after coding-DNA position 627, T replaced by G.
Molecular consequence: splice donor variant. On other transcripts: intron variant (1).
Genome position (GRCh38, 1-based): chr5:149,934,564, A>C on the plus strand (T>G on the coding strand, the complement: PDE6A is on the minus strand). VCF-style: chr5-149934564-A-C. GRCh37 (hg19) VCF-style: chr5-149314127-A-C.
Other names: c.475-3396T>G (NM_001410788.1).
Identifiers: ClinVar variation 636057 (VCV000636057.4), dbSNP rs1581211727, ClinGen allele CA361698139.